The following is an entry in ClinVar:

ClinVar aggregate classification (germline): Conflicting classifications of pathogenicity. Review status: criteria provided, conflicting classifications (1 of 4 stars). 3 submissions from 3 submitters: Likely pathogenic (1); Uncertain significance (2). Last evaluated 2025-05-22.

Conditions:
Familial thoracic aortic aneurysm and aortic dissection (TAAD). Also called: Thoracic aortic aneurysms and dissections. Identifiers: Orphanet 91387, MedGen C4707243, MONDO:0019625.
Ehlers-Danlos syndrome, type 4 (EDSVASC). Also called: Ehlers-Danlos Syndrome Type IV; Ehlers-Danlos syndrome vascular type; Ehlers Danlos syndrome, ecchymotic type; Ehlers Danlos syndrome, arterial type; Ehlers Danlos syndrome, Sack-Barabas type. Identifiers: Orphanet 286, MedGen C0268338, MONDO:0017314, OMIM 130050.

Allele frequency attached by ClinVar (database versions not stated): gnomAD exomes below 0.00001; gnomAD 0.00001; TOPMed 0.00003.
gnomAD v4.1: 3 of 1,551,534 alleles (0.00019%); highest among the groups gnomAD compares: African/African-American, 0.0041%; no homozygotes.

Submissions (3):

GeneDx
Classification: Likely pathogenic. Last evaluated: 2025-05-22. Review status: criteria provided, single submitter. Criteria: GeneDx Variant Classification Process June 2021. Collection method: clinical testing. Allele origin: germline. Affected: yes.
Comment: Occurs in the triple helical domain and replaces the glycine in the canonical Gly-X-Y repeat; missense substitution of a canonical glycine residue is expected to disrupt normal protein folding and function, and this is an established mechanism of disease (HGMD); Not observed at significant frequency in large population cohorts (gnomAD); In silico analysis suggests that this missense variant does not alter protein structure/function; Has not been previously published as pathogenic or benign to our knowledge

All of Us Research Program, National Institutes of Health
Classification: Uncertain significance for Ehlers-Danlos syndrome, type 4. Last evaluated: 2024-09-23. Review status: criteria provided, single submitter. Criteria: ACMG Guidelines, 2015. Collection method: clinical testing. Allele origin: germline. Inheritance: Autosomal dominant inheritance. Observed: 2 variant alleles, 2 heterozygotes.
Comment: This study involves interpretation of variants in research participants for the purpose of population health screening. Participant phenotype was not available at the time of variant classification. Additional details can be found in publication PMID: 35346344, PMCID: PMC8962531

Ambry Genetics
Classification: Uncertain significance for Familial thoracic aortic aneurysm and aortic dissection. Last evaluated: 2024-09-14. Review status: criteria provided, single submitter. Criteria: Ambry Variant Classification Scheme 2023. Collection method: clinical testing. Allele origin: germline.
Comment: The p.G836E variant (also known as c.2507G>A), located in coding exon 36 of the COL3A1 gene, results from a G to A substitution at nucleotide position 2507. The glycine at codon 836 is replaced by glutamic acid, an amino acid with similar properties. This amino acid position is not well conserved in available vertebrate species. In addition, the in silico prediction for this alteration is inconclusive. Based on the available evidence, the clinical significance of this alteration remains unclear.

NM_000090.4(COL3A1):c.2507G>A (p.Gly836Glu)

Gene: COL3A1 (collagen type III alpha 1 chain; plus strand). Cytogenetic location: 2q32.2.
Variant type: single nucleotide variant.
Coding change: c.2507G>A on transcript NM_000090.4 (MANE Select); coding-DNA position 2507, G replaced by A.
Protein change: p.Gly836Glu; replaces glycine 836 with glutamic acid.
Molecular consequence: missense variant.
Genome position (GRCh38, 1-based): chr2:189,003,016, G>A. VCF-style: chr2-189003016-G-A. GRCh37 (hg19) VCF-style: chr2-189867742-G-A.
Other names: short protein forms G836E.
Identifiers: ClinVar variation 3074675 (VCV003074675.4), dbSNP rs1441743655, ClinGen allele CA349842823.
Genomic context (GRCh38, chr2:189,003,016, plus strand): 5'-GACAGAATGGTGAACCTGGTGGTAAAGGAGAAAGAGGGGCTCCGGGTGAGAAAGGTGAAG[G>A]AGGCCCTCCTGGAGTTGCAGGACCCCCTGGAGGTTCTGGACCTGCTGTAAGTTCCTTCCT-3'
Protein context (NP_000081.2, residues 826-846): ERGAPGEKGE[Gly836Glu]GPPGVAGPPG